The following is an entry in ClinVar:

NM_005733.3(KIF20A):c.1615G>C (p.Ala539Pro)

Gene: KIF20A (kinesin family member 20A; plus strand). Cytogenetic location: 5q31.2.
Variant type: single nucleotide variant.
Coding change: c.1615G>C on transcript NM_005733.3 (MANE Select); coding-DNA position 1615, G replaced by C.
Protein change: p.Ala539Pro; replaces alanine 539 with proline.
Molecular consequence: missense variant.
Genome position (GRCh38, 1-based): chr5:138,184,608, G>C. VCF-style: chr5-138184608-G-C. GRCh37 (hg19) VCF-style: chr5-137520297-G-C.
Other names: short protein forms A539P.
Identifiers: ClinVar variation 1503064 (VCV001503064.6), dbSNP rs35308118, ClinGen allele CA3426658.

ClinVar aggregate classification (germline): Uncertain significance (1 of 4 stars; one submission).

Allele frequency attached by ClinVar (database versions not stated): gnomAD exomes below 0.00001; ExAC 0.00001; TOPMed 0.00001; gnomAD 0.00002.
gnomAD v4.1: 3 of 1,614,068 alleles (0.00019%); highest among the groups gnomAD compares: African/African-American, 0.004%; no homozygotes.

Submission:

Labcorp Genetics (formerly Invitae), Labcorp
Classification: Uncertain significance. Last evaluated: 2024-07-02. Review status: criteria provided, single submitter. Criteria: Invitae Variant Classification Sherloc (09022015). Collection method: clinical testing. Allele origin: germline.
Comment: This sequence change replaces alanine, which is neutral and non-polar, with proline, which is neutral and non-polar, at codon 539 of the KIF20A protein (p.Ala539Pro). This variant is present in population databases (rs35308118, gnomAD 0.008%). This variant has not been reported in the literature in individuals affected with KIF20A-related conditions. ClinVar contains an entry for this variant (Variation ID: 1503064). An algorithm developed to predict the effect of missense changes on protein structure and function (PolyPhen-2) suggests that this variant is likely to be tolerated. In summary, the available evidence is currently insufficient to determine the role of this variant in disease. Therefore, it has been classified as a Variant of Uncertain Significance.